The following is an entry in ClinVar:

NM_017514.5(PLXNA3):c.552C>G (p.Arg184=)

Gene: PLXNA3 (plexin A3; plus strand). Cytogenetic location: Xq28.
Variant type: single nucleotide variant.
Coding change: c.552C>G on transcript NM_017514.5 (MANE Select); coding-DNA position 552, C replaced by G.
Protein change: p.Arg184=; no amino-acid change (arginine 184 retained).
Molecular consequence: synonymous variant.
Genome position (GRCh38, 1-based): chrX:154,460,735, C>G. VCF-style: chrX-154460735-C-G. GRCh37 (hg19) VCF-style: chrX-153689075-C-G.
Identifiers: ClinVar variation 3355473 (VCV003355473.1).

ClinVar aggregate classification (germline): Likely benign (0 of 4 stars; one submission).

Conditions:
PLXNA3-related disorder. Also called: PLXNA3-related condition.

Submission:

PreventionGenetics, part of Exact Sciences
Classification: Likely benign for PLXNA3-related condition. Last evaluated: 2022-03-16. Review status: no assertion criteria provided. Collection method: clinical testing. Allele origin: germline.
Comment: This variant is classified as likely benign based on ACMG/AMP sequence variant interpretation guidelines (Richards et al. 2015 PMID: 25741868, with internal and published modifications).